The following is an entry in ClinVar:

NM_001370259.2(MEN1):c.970del (p.Leu324fs)

Gene: MEN1 (menin 1; minus strand). Cytogenetic location: 11q13.1.
Variant type: Deletion.
Coding change: c.970del on transcript NM_001370259.2 (MANE Select); coding-DNA position 970, one base deleted (C; older notation c.970delC).
Protein change: p.Leu324fs; shifts the reading frame from leucine 324.
Molecular consequence: frameshift variant.
Genome position (GRCh38, 1-based): chr11:64,806,311, G deleted on the plus strand (C on the coding strand, the reverse complement: MEN1 is on the minus strand); the first of 2 consecutive G bases (chr11:64,806,311-64,806,312); deleting either gives the same sequence. VCF-style (leftmost placement, unchanged base first): chr11-64806310-AG-A. GRCh37 (hg19) VCF-style: chr11-64573782-AG-A.
Other names: c.970delC (NM_130799.2); c.985del, p.Leu329fs (NM_000244.4, NM_130800.3, NM_130801.3 and 3 more transcripts); c.970del, p.Leu324fs (NM_001370251.2, NM_001370260.2, NM_001370261.2 and 1 more transcripts); c.865del, p.Leu289fs (NM_001370262.2, NM_001370263.2); c.970del (NM_130799.2); short protein forms L329fs, L289fs, L324fs.
Identifiers: ClinVar variation 428049 (VCV000428049.7), dbSNP rs1114167508, ClinGen allele CA645369580.

ClinVar aggregate classification (germline): Pathogenic/Likely pathogenic. Review status: criteria provided, multiple submitters, no conflicts (2 of 4 stars). 2 submissions from 2 submitters: Pathogenic (1); Likely pathogenic (1). Last evaluated 2023-09-16.

Conditions:
Hereditary cancer-predisposing syndrome. Also called: Hereditary neoplastic syndrome; Tumor predisposition; Neoplastic Syndromes, Hereditary; Hereditary Cancer Syndrome. Identifiers: Orphanet 140162, MedGen C0027672, MeSH D009386, MONDO:0015356.
Multiple endocrine neoplasia, type 1 (MEN1). Also called: MEN I; Endocrine adenomatosis multiple; MEN 1; WERMER SYNDROME; MEA I. Identifiers: Orphanet 652, MedGen C0025267, MeSH D018761, MONDO:0007540, OMIM 131100.

Submissions (2):

Baylor Genetics
Classification: Likely pathogenic for Multiple Endocrine Neoplasia Type 1. Last evaluated: 2023-09-16. Review status: criteria provided, single submitter. Criteria: ACMG Guidelines, 2015. Collection method: clinical testing. Allele origin: unknown.

Ambry Genetics
Classification: Pathogenic for Hereditary cancer-predisposing syndrome. Last evaluated: 2014-12-24. Review status: criteria provided, single submitter. Criteria: Ambry Variant Classification Scheme 2023. Collection method: clinical testing. Allele origin: germline.
Comment: The c.970delC pathogenic mutation, located in coding exon 6 of the MEN1 gene, results from a deletion of one nucleotide at position 970, causing a translational frameshift with a predicted alternate stop codon. Since frameshifts are typically deleterious in nature, this alteration is interpreted as a disease-causing mutation (ACMG Recommendations for Standards for Interpretation and Reporting of Sequence Variations. Revision 2007. Genet Med. 2008;10:294).